The following is an entry in ClinVar:

ClinVar aggregate classification (germline): Pathogenic. Review status: criteria provided, single submitter (1 of 4 stars). 2 submissions from 2 submitters: Pathogenic (1). 1 of the submissions does not count toward it. Last evaluated 2024-02-07.

Conditions:
Early-infantile DEE. Also called: Early infantile epileptic encephalopathy; Ohtahara syndrome; Early infantile epileptic encephalopathy with suppression bursts. Identifiers: Orphanet 1934, MedGen C0393706, MONDO:0800491.
Developmental and epileptic encephalopathy, 7 (DEE7). Also called: KCNQ2-Related Neonatal Epileptic Encephalopathy; Early infantile epileptic encephalopathy 7; KCNQ2-Related Neonatal-Onset Developmental and Epileptic Encephalopathy (NEO-DEE). Identifiers: Orphanet 439218, MedGen C3150986, MONDO:0013387, OMIM 613720.

Submissions (8):

Labcorp Genetics (formerly Invitae), Labcorp
Classification: Pathogenic for Early-infantile DEE. Last evaluated: 2024-02-07. Review status: criteria provided, single submitter. Criteria: Invitae Variant Classification Sherloc (09022015). Collection method: clinical testing. Allele origin: germline.
Comment: This sequence change replaces leucine, which is neutral and non-polar, with proline, which is neutral and non-polar, at codon 203 of the KCNQ2 protein (p.Leu203Pro). This variant is not present in population databases (gnomAD no frequency). This missense change has been observed in individual(s) with epileptic encephalopathy (PMID: 25959266, 26007637). In at least one individual the variant was observed to be de novo. ClinVar contains an entry for this variant (Variation ID: 369754). Advanced modeling of protein sequence and biophysical properties (such as structural, functional, and spatial information, amino acid conservation, physicochemical variation, residue mobility, and thermodynamic stability) performed at Invitae indicates that this missense variant is expected to disrupt KCNQ2 protein function with a positive predictive value of 95%. Experimental studies have shown that this missense change affects KCNQ2 function (PMID: 32179837, 35104249). For these reasons, this variant has been classified as Pathogenic.

Channelopathy-Associated Epilepsy Research Center
No classification provided (evidence only). Condition: Complex neurodevelopmental disorder. Review status: no classification provided. Collection method: literature only. Allele origin: not applicable. Functional consequence: Severe decrease in peak current, Severe slowing of activation, Severe depolarizing shift of voltage dependence of activation. Not counted in ClinVar's aggregate classification.
ClinVar note: "not provided" was previously submitted as the classification for the variant. However, the classification appeared to be based only on an observation of functional data so it was converted to no classification on 2025-07-30.

Channelopathy-Associated Epilepsy Research Center
No classification provided (evidence only). Review status: no classification provided. Collection method: in vitro. Allele origin: not applicable. Functional consequence: Normal peak current. Not counted in ClinVar's aggregate classification.

Channelopathy-Associated Epilepsy Research Center
No classification provided (evidence only). Review status: no classification provided. Collection method: in vitro. Allele origin: not applicable. Functional consequence: Normal peak current. Not counted in ClinVar's aggregate classification.

Channelopathy-Associated Epilepsy Research Center
No classification provided (evidence only). Review status: no classification provided. Collection method: in vitro. Allele origin: not applicable. Functional consequence: Depolarizing shift of voltage dependence of activation. Not counted in ClinVar's aggregate classification.

Channelopathy-Associated Epilepsy Research Center
No classification provided (evidence only). Review status: no classification provided. Collection method: in vitro. Allele origin: not applicable. Functional consequence: Increase in slope of activation. Not counted in ClinVar's aggregate classification.

Channelopathy-Associated Epilepsy Research Center
No classification provided (evidence only). Review status: no classification provided. Collection method: in vitro. Allele origin: not applicable. Functional consequence: Slowing of activation. Not counted in ClinVar's aggregate classification.

GeneReviews
No classification provided. Condition: Developmental and epileptic encephalopathy, 7. Review status: no classification provided. Collection method: literature only. Allele origin: germline. Affected: yes. Not counted in ClinVar's aggregate classification.
Comment: EE (epileptic encephalopathy)

Literature cited by the submitters: PubMed 25959266 (cited by Labcorp Genetics (formerly Invitae), Labcorp and GeneReviews); PubMed 26007637 (cited by Labcorp Genetics (formerly Invitae), Labcorp); PubMed 32179837 (cited by Labcorp Genetics (formerly Invitae), Labcorp); PubMed 35104249 (cited by Labcorp Genetics (formerly Invitae), Labcorp and Channelopathy-Associated Epilepsy Research Center); NCBI Bookshelf NBK32534 (cited by GeneReviews).

NM_172107.4(KCNQ2):c.608T>C (p.Leu203Pro)

Gene: KCNQ2 (potassium voltage-gated channel subfamily Q member 2; minus strand). Cytogenetic location: 20q13.33.
Variant type: single nucleotide variant.
Coding change: c.608T>C on transcript NM_172107.4 (MANE Select); coding-DNA position 608, T replaced by C.
Protein change: p.Leu203Pro; replaces leucine 203 with proline.
Molecular consequence: missense variant.
Genome position (GRCh38, 1-based): chr20:63,444,741, A>G on the plus strand (T>C on the coding strand, the complement: KCNQ2 is on the minus strand). VCF-style: chr20-63444741-A-G. GRCh37 (hg19) VCF-style: chr20-62076094-A-G.
Other names: c.608T>C, p.Leu203Pro (NM_004518.6, NM_172106.3, NM_172108.5 and 1 more transcripts); short protein forms L203P.
Identifiers: ClinVar variation 369754 (VCV000369754.7), dbSNP rs1057516086, ClinGen allele CA10654825.
Genomic context (GRCh38, chr20:63,444,741, plus strand): 5'-GAGCCCAGCAGCTTCCAGGTGCCTCCCCGCCGGTCCATGCGGATCATCCGCAGAATCTGC[A>G]GGAAGCGCAGGCTCCGGAGCGCAGATGTGGCAAAGACGTTGCCCTGGGAGCCGGCGGCCA-3'
Protein context (NP_742105.1, residues 193-213): ATSALRSLRF[Leu203Pro]QILRMIRMDR